The following is an entry in ClinVar:

NM_004519.4(KCNQ3):c.523A>G (p.Ile175Val)

Gene: KCNQ3 (potassium voltage-gated channel subfamily Q member 3; minus strand). Cytogenetic location: 8q24.22.
Variant type: single nucleotide variant.
Coding change: c.523A>G on transcript NM_004519.4 (MANE Select); coding-DNA position 523, A replaced by G.
Protein change: p.Ile175Val; replaces isoleucine 175 with valine.
Molecular consequence: missense variant.
Genome position (GRCh38, 1-based): chr8:132,184,322, T>C on the plus strand (A>G on the coding strand, the complement: KCNQ3 is on the minus strand). VCF-style: chr8-132184322-T-C. GRCh37 (hg19) VCF-style: chr8-133196569-T-C.
Other names: c.163A>G, p.Ile55Val (NM_001204824.2); short protein forms I55V, I175V.
Identifiers: ClinVar variation 1965258 (VCV001965258.5), dbSNP rs1215912949, ClinGen allele CA372291204.
Genomic context (GRCh38, chr8:132,184,322, plus strand): 5'-TGGCAAACTTCAGTCGGCCCCGCCAGCCTTTGTATCGGCAGCAACATCCAGCAGCCCAGA[T>C]CCTCAAAGCAAACTCGGCTCCAAAGATGAAAATAGCAAATGTCTCCTGCATGGAAGAGCA-3'
Protein context (NP_004510.1, residues 165-185): FIFGAEFALR[Ile175Val]WAAGCCCRYK

ClinVar aggregate classification (germline): Uncertain significance (1 of 4 stars; one submission).

Conditions:
Benign neonatal seizures. Also called: Benign neonatal familial convulsions; Benign familial neonatal seizures; Benign familial neonatal epilepsy; Convulsions benign familial neonatal dominant form; Autosomal dominant form of benign neonatal seizures. Identifiers: Orphanet 1949, MedGen C0220669, MONDO:0016027.

Allele frequency attached by ClinVar (database versions not stated): gnomAD exomes below 0.00001; TOPMed below 0.00001.
gnomAD v4.1: 2 of 1,614,108 alleles (0.00012%); highest among the groups gnomAD compares: East Asian, 0.0022%; no homozygotes.

Submission:

Labcorp Genetics (formerly Invitae), Labcorp
Classification: Uncertain significance for Benign neonatal seizures. Last evaluated: 2022-06-10. Review status: criteria provided, single submitter. Criteria: Invitae Variant Classification Sherloc (09022015). Collection method: clinical testing. Allele origin: germline.
Comment: This sequence change replaces isoleucine, which is neutral and non-polar, with valine, which is neutral and non-polar, at codon 175 of the KCNQ3 protein (p.Ile175Val). This variant is not present in population databases (gnomAD no frequency). This variant has not been reported in the literature in individuals affected with KCNQ3-related conditions. Algorithms developed to predict the effect of missense changes on protein structure and function (SIFT, PolyPhen-2, Align-GVGD) all suggest that this variant is likely to be tolerated. In summary, the available evidence is currently insufficient to determine the role of this variant in disease. Therefore, it has been classified as a Variant of Uncertain Significance.